The following is an entry in ClinVar:

NM_017534.6(MYH2):c.5747C>G (p.Ala1916Gly)

Genes: MYHAS (myosin heavy chain gene cluster antisense RNA; plus strand), MYH2 (myosin heavy chain 2; minus strand). Cytogenetic location: 17p13.1.
Variant type: single nucleotide variant.
Coding change: c.5747C>G on transcript NM_017534.6 (MANE Select); coding-DNA position 5747, C replaced by G.
Protein change: p.Ala1916Gly; replaces alanine 1916 with glycine.
Molecular consequence: missense variant.
Genome position (GRCh38, 1-based): chr17:10,521,359, G>C on the plus strand (C>G on the coding strand, the complement: MYH2 is on the minus strand). VCF-style: chr17-10521359-G-C. GRCh37 (hg19) VCF-style: chr17-10424676-G-C.
Other names: p.Ala1916Gly; c.5747C>G, p.Ala1916Gly (NM_001100112.2); short protein forms A1916G.
Identifiers: ClinVar variation 4683133 (VCV004683133.1).
Genomic context (GRCh38, chr17:10,521,359, plus strand): 5'-TTTGTGTGAACCTCCCGGCTCTTCACCCGCAGTTTGTTCACCTGGGACTCAGCAATGTCA[G>C]CCCGTTCCTCGGCCTCCTCCAGCTCATGCTGGAGCTTGCGGAATTTAGCTAGATTGGTGT-3'
Protein context (NP_060004.3, residues 1906-1926): QHELEEAEER[Ala1916Gly]DIAESQVNKL

ClinVar aggregate classification (germline): Uncertain significance (1 of 4 stars; one submission).

Conditions:
Myopathy, proximal, and ophthalmoplegia (CMYO6). Also called: INCLUSION BODY MYOPATHY 3, AUTOSOMAL DOMINANT; MYOPATHY WITH CONGENITAL JOINT CONTRACTURES, OPHTHALMOPLEGIA, AND RIMMED VACUOLES; CONGENITAL MYOPATHY 6 WITH OPHTHALMOPLEGIA. Identifiers: Orphanet 363677, Orphanet 79091, MedGen C1854106, MONDO:0011577, OMIM 605637.

Submission:

Foundation for Research in Genetics and Endocrinology, FRIGE's Institute of Human Genetics
Classification: Uncertain significance for Myopathy, proximal, and ophthalmoplegia. Last evaluated: 2025-11-29. Review status: criteria provided, single submitter. Criteria: ACMG Guidelines, 2015. Collection method: clinical testing. Allele origin: germline. Inheritance: Autosomal dominant inheritance. Affected: yes. Observed: 1 heterozygote.
Comment: A heterozygous missense variant in exon 40 of the MYH2 gene that results in the amino acid substitution of Glycine for Alanine at codon 1916 (p.Ala1916Gly) was detected. This variant has not been reported in the 1000 genomes, gnomAD (v3.1), gnomAD (v2.1) and topmed databases. The in-silico predictions of the variant are probably damaging by PolyPhen-2 and damaging by SIFT, CONDEL and MetaSVM. The reference codon is conserved across species. In summary, the variant meets our criteria to be classified as variant of uncertain significance.